The following is an entry in ClinVar:

ClinVar aggregate classification (germline): Uncertain significance. Review status: criteria provided, multiple submitters, no conflicts (2 of 4 stars). 2 submissions from 2 submitters: Uncertain significance (2). Last evaluated 2026-01-07.

Conditions:
Inborn genetic diseases. Identifiers: MedGen C0950123, MeSH D030342.

gnomAD v4.1: 1 of 1,598,794 alleles (0.000063%); highest among the groups gnomAD compares: Non-Finnish European, 0.000085%; no homozygotes.

Submissions (2):

Labcorp Genetics (formerly Invitae), Labcorp
Classification: Uncertain significance. Last evaluated: 2026-01-07. Review status: criteria provided, single submitter. Criteria: Invitae Variant Classification Sherloc (09022015). Collection method: clinical testing. Allele origin: germline.
Comment: This sequence change replaces glutamic acid, which is acidic and polar, with lysine, which is basic and polar, at codon 115 of the GATAD2B protein (p.Glu115Lys). This variant is not present in population databases (gnomAD no frequency). This variant has not been reported in the literature in individuals affected with GATAD2B-related conditions. ClinVar contains an entry for this variant (Variation ID: 4262216). Invitae Evidence Modeling of protein sequence and biophysical properties (such as structural, functional, and spatial information, amino acid conservation, physicochemical variation, residue mobility, and thermodynamic stability) indicates that this missense variant is not expected to disrupt GATAD2B protein function with a negative predictive value of 80%. In summary, the available evidence is currently insufficient to determine the role of this variant in disease. Therefore, it has been classified as a Variant of Uncertain Significance.

Ambry Genetics
Classification: Uncertain significance for Inborn genetic diseases. Last evaluated: 2025-08-31. Review status: criteria provided, single submitter. Criteria: Ambry Variant Classification Scheme 2023. Collection method: clinical testing. Allele origin: germline.

NM_020699.4(GATAD2B):c.343G>A (p.Glu115Lys)

Gene: GATAD2B (GATA zinc finger domain containing 2B; minus strand). Cytogenetic location: 1q21.3.
Variant type: single nucleotide variant.
Coding change: c.343G>A on transcript NM_020699.4 (MANE Select); coding-DNA position 343, G replaced by A.
Protein change: p.Glu115Lys; replaces glutamic acid 115 with lysine.
Molecular consequence: missense variant.
Genome position (GRCh38, 1-based): chr1:153,819,728, C>T on the plus strand (G>A on the coding strand, the complement: GATAD2B is on the minus strand). VCF-style: chr1-153819728-C-T. GRCh37 (hg19) VCF-style: chr1-153792204-C-T.
Other names: short protein forms E115K.
Identifiers: ClinVar variation 4262216 (VCV004262216.2).